The following is an entry in ClinVar:

NM_021098.3(CACNA1H):c.2698G>T (p.Ala900Ser)

Gene: CACNA1H (calcium voltage-gated channel subunit alpha1 H; plus strand). Cytogenetic location: 16p13.3.
Variant type: single nucleotide variant.
Coding change: c.2698G>T on transcript NM_021098.3 (MANE Select); coding-DNA position 2698, G replaced by T.
Protein change: p.Ala900Ser; replaces alanine 900 with serine.
Molecular consequence: missense variant.
Genome position (GRCh38, 1-based): chr16:1,206,198, G>T. VCF-style: chr16-1206198-G-T. GRCh37 (hg19) VCF-style: chr16-1256198-G-T.
Other names: c.2698G>T, p.Ala900Ser (NM_001005407.2); short protein forms A900S.
Identifiers: ClinVar variation 958128 (VCV000958128.9), dbSNP rs1336532564, ClinGen allele CA394168991.

ClinVar aggregate classification (germline): Uncertain significance (1 of 4 stars; one submission).

Conditions:
Idiopathic generalized epilepsy. Also called: EIG; Generalised epilepsy. Identifiers: MedGen C0270850, MONDO:0005579, OMIM 600669.
Hyperaldosteronism, familial, type IV (HALD4). Also called: FH IV; ALDOSTERONISM, PRIMARY, AND HYPERTENSION. Identifiers: Orphanet 642671, MedGen C4310756, MONDO:0014875, OMIM 617027.

Allele frequency attached by ClinVar (database versions not stated): gnomAD 0.00001; TOPMed 0.00002.
gnomAD v4.1: 6 of 1,593,612 alleles (0.00038%); highest among the groups gnomAD compares: Non-Finnish European, 0.00051%; no homozygotes.

Submission:

Labcorp Genetics (formerly Invitae), Labcorp
Classification: Uncertain significance for Idiopathic generalized epilepsy; Hyperaldosteronism, familial, type IV. Last evaluated: 2024-09-16. Review status: criteria provided, single submitter. Criteria: Invitae Variant Classification Sherloc (09022015). Collection method: clinical testing. Allele origin: germline.
Comment: This sequence change replaces alanine, which is neutral and non-polar, with serine, which is neutral and polar, at codon 900 of the CACNA1H protein (p.Ala900Ser). The frequency data for this variant in the population databases is considered unreliable, as metrics indicate poor data quality at this position in the gnomAD database. This variant has not been reported in the literature in individuals affected with CACNA1H-related conditions. ClinVar contains an entry for this variant (Variation ID: 958128). Invitae Evidence Modeling of protein sequence and biophysical properties (such as structural, functional, and spatial information, amino acid conservation, physicochemical variation, residue mobility, and thermodynamic stability) indicates that this missense variant is expected to disrupt CACNA1H protein function with a positive predictive value of 80%. In summary, the available evidence is currently insufficient to determine the role of this variant in disease. Therefore, it has been classified as a Variant of Uncertain Significance.